The following is an entry in ClinVar:

NM_000528.4(MAN2B1):c.1027-1G>C

Gene: MAN2B1 (mannosidase alpha class 2B member 1; minus strand). Cytogenetic location: 19p13.13.
Variant type: single nucleotide variant.
Coding change: c.1027-1G>C on transcript NM_000528.4 (MANE Select); the canonical splice acceptor site of the intron before coding-DNA position 1027, G replaced by C.
Molecular consequence: splice acceptor variant. On other transcripts: intron variant (1).
Genome position (GRCh38, 1-based): chr19:12,658,511, C>G on the plus strand (G>C on the coding strand, the complement: MAN2B1 is on the minus strand). VCF-style: chr19-12658511-C-G. GRCh37 (hg19) VCF-style: chr19-12769325-C-G.
Other names: c.1027-4G>C (NM_001173498.2).
Identifiers: ClinVar variation 1978270 (VCV001978270.4), dbSNP rs2512504273, ClinGen allele CA404249056.

ClinVar aggregate classification (germline): Likely pathogenic (1 of 4 stars; one submission).

Conditions:
Deficiency of alpha-mannosidase (MANSA). Also called: Mannosidosis, alpha-, types I and II; Alpha-Mannosidosis; LYSOSOMAL ALPHA-D-MANNOSIDASE DEFICIENCY. Identifiers: Orphanet 61, MedGen C0024748, MONDO:0009561, OMIM 248500.

Submission:

Labcorp Genetics (formerly Invitae), Labcorp
Classification: Likely pathogenic for Deficiency of alpha-mannosidase. Last evaluated: 2022-04-20. Review status: criteria provided, single submitter. Criteria: Invitae Variant Classification Sherloc (09022015). Collection method: clinical testing. Allele origin: germline.
Comment: In summary, the currently available evidence indicates that the variant is pathogenic, but additional data are needed to prove that conclusively. Therefore, this variant has been classified as Likely Pathogenic. Algorithms developed to predict the effect of sequence changes on RNA splicing suggest that this variant may disrupt the consensus splice site. This variant has not been reported in the literature in individuals affected with MAN2B1-related conditions. This variant is not present in population databases (gnomAD no frequency). This sequence change affects an acceptor splice site in intron 7 of the MAN2B1 gene. It is expected to disrupt RNA splicing. Variants that disrupt the donor or acceptor splice site typically lead to a loss of protein function (PMID: 16199547), and loss-of-function variants in MAN2B1 are known to be pathogenic (PMID: 9915946, 22161967).

Literature cited by the submitters: PubMed 16199547; PubMed 9915946; PubMed 22161967.